The following is an entry in ClinVar:

NM_001999.4(FBN2):c.3106G>A (p.Glu1036Lys)

Genes: FBN2 (fibrillin 2; minus strand), LOC126807501 (BRD4-independent group 4 enhancer GRCh37_chr5:127680731-127681930; plus strand). Cytogenetic location: 5q23.3.
Variant type: single nucleotide variant.
Coding change: c.3106G>A on transcript NM_001999.4 (MANE Select); coding-DNA position 3106, G replaced by A.
Protein change: p.Glu1036Lys; replaces glutamic acid 1036 with lysine.
Molecular consequence: missense variant.
Genome position (GRCh38, 1-based): chr5:128,345,468, C>T on the plus strand (G>A on the coding strand, the complement: FBN2 is on the minus strand). VCF-style: chr5-128345468-C-T. GRCh37 (hg19) VCF-style: chr5-127681160-C-T.
Other names: short protein forms E1036K.
Identifiers: ClinVar variation 213395 (VCV000213395.7), dbSNP rs773473369, ClinGen allele CA321770.

ClinVar aggregate classification (germline): Conflicting classifications of pathogenicity. Review status: criteria provided, conflicting classifications (1 of 4 stars). 3 submissions from 3 submitters: Uncertain significance (2); Likely benign (1). Last evaluated 2024-07-26.

Conditions:
Congenital contractural arachnodactyly (CCA). Also called: BEALS SYNDROME; Beals-Hecht syndrome; Arthrogryposis, distal, type 9. Identifiers: Orphanet 115, MedGen C0220668, MONDO:0007363, OMIM 121050.

Allele frequency attached by ClinVar (database versions not stated): gnomAD exomes 0.00001; TOPMed 0.00001; ExAC 0.00003.
gnomAD v4.1: 28 of 1,613,988 alleles (0.0017%); highest among the groups gnomAD compares: East Asian, 0.011%; no homozygotes.

Submissions (3):

Blueprint Genetics
Classification: Uncertain significance. Last evaluated: 2024-07-26. Review status: criteria provided, single submitter. Criteria: ACMG Guidelines, 2015. Collection method: clinical testing. Allele origin: germline.

Labcorp Genetics (formerly Invitae), Labcorp
Classification: Likely benign for Congenital contractural arachnodactyly. Last evaluated: 2024-07-20. Review status: criteria provided, single submitter. Criteria: Invitae Variant Classification Sherloc (09022015). Collection method: clinical testing. Allele origin: germline.

GeneDx
Classification: Uncertain significance. Last evaluated: 2018-12-04. Review status: criteria provided, single submitter. Criteria: GeneDx Variant Classification (06012015). Collection method: clinical testing. Allele origin: germline. Affected: yes.
Comment: The E1036K variant of uncertain significance in the FBN2 gene has not been published as pathogenic or been reported as benign to our knowledge. This variant is not observed at a significant frequency in large population cohorts (Lek et al., 2016). E1036K is a non-conservative amino acid substitution, which is likely to impact secondary protein structure as these residues differ in polarity, charge, size and/or other properties. In-silico analyses, including protein predictors and evolutionary conservation, support a deleterious effect. However, The E1036K variant does not affect a Cysteine residue within a calcium-binding EGF-like domain of the FBN2 gene. Cysteine substitutions in the calcium-binding EGF-like domains represent the majority of pathogenic missense changes associated with congenital contractural arachnodactyly (Collod-Beroud et al., 2003; FrÃ©dÃ©ric et al., 2009).Therefore, based on the currently available information, it is unclear whether this variant is pathogenic or benign.